The following is an entry in ClinVar:

NM_000051.4(ATM):c.7516-2A>G

Genes: ATM (ATM serine/threonine kinase; plus strand), C11orf65 (chromosome 11 open reading frame 65; minus strand). Cytogenetic location: 11q22.3.
Variant type: single nucleotide variant.
Coding change: c.7516-2A>G on transcript NM_000051.4 (MANE Select); the canonical splice acceptor site of the intron before coding-DNA position 7516, A replaced by G.
Molecular consequence: splice acceptor variant. On other transcripts: non-coding transcript variant (1), intron variant (2).
Genome position (GRCh38, 1-based): chr11:108,331,442, A>G. VCF-style: chr11-108331442-A-G. GRCh37 (hg19) VCF-style: chr11-108202169-A-G.
Other names: c.7516-2A>G (NM_001351834.2); c.641-22371T>C (NM_001330368.2); c.*38+3778T>C (NM_001351110.2).
Identifiers: ClinVar variation 1759299 (VCV001759299.6), dbSNP rs2136490630, ClinGen allele CA382560627.
Genomic context (GRCh38, chr11:108,331,442, plus strand): 5'-TTAGATGTGAGAATATTTGAAATACCTTGTTTCTTAATTTTGTGTCTTTTTTTTAATGGT[A>G]GAGAGACGGAATGAAGATTCCAACATATAAATTTTTGCCTCTTATGTACCAATTGGCTGC-3'

ClinVar aggregate classification (germline): Likely pathogenic. Review status: criteria provided, multiple submitters, no conflicts (2 of 4 stars). 3 submissions from 3 submitters: Likely pathogenic (3). Last evaluated 2024-01-31.

Conditions:
Ataxia-telangiectasia syndrome (AT). Also called: Ataxia telangiectasia (A-T); LOUIS-BAR SYNDROME; Cerebello-oculocutaneous telangiectasia; Immunodeficiency with ataxia telangiectasia; Ataxia-telangiectasia, complementation group D; AT, COMPLEMENTATION GROUP C. Identifiers: Orphanet 100, MedGen C0004135, MONDO:0008840, OMIM 208900.
Familial cancer of breast. Also called: Hereditary breast cancer; hereditary breast carcinoma; BREAST CANCER, FAMILIAL. Identifiers: Orphanet 227535, MedGen C0346153, MONDO:0016419, OMIM 114480. Disease mechanism: loss of function.
Hereditary cancer-predisposing syndrome. Also called: Hereditary neoplastic syndrome; Neoplastic Syndromes, Hereditary; Tumor predisposition; Hereditary Cancer Syndrome. Identifiers: Orphanet 140162, MedGen C0027672, MeSH D009386, MONDO:0015356.

Submissions (3):

Myriad Genetics, Inc.
Classification: Likely pathogenic for Familial cancer of breast. Last evaluated: 2024-01-31. Review status: criteria provided, single submitter. Criteria: Myriad Autosomal Dominant, Autosomal Recessive and X-Linked Classification Criteria (2023). Collection method: clinical testing. Allele origin: unknown.
Comment: This variant is considered likely pathogenic. This variant occurs within a consensus splice junction and is predicted to result in abnormal mRNA splicing of either an out-of-frame exon or an in-frame exon necessary for protein stability and/or normal function.

Labcorp Genetics (formerly Invitae), Labcorp
Classification: Likely pathogenic for Ataxia-telangiectasia syndrome. Last evaluated: 2023-12-08. Review status: criteria provided, single submitter. Criteria: Invitae Variant Classification Sherloc (09022015). Collection method: clinical testing. Allele origin: germline.
Comment: This sequence change affects an acceptor splice site in intron 50 of the ATM gene. It is expected to disrupt RNA splicing. Variants that disrupt the donor or acceptor splice site typically lead to a loss of protein function (PMID: 16199547), and loss-of-function variants in ATM are known to be pathogenic (PMID: 23807571, 25614872). This variant is not present in population databases (gnomAD no frequency). This variant has not been reported in the literature in individuals affected with ATM-related conditions. ClinVar contains an entry for this variant (Variation ID: 1759299). Algorithms developed to predict the effect of sequence changes on RNA splicing suggest that this variant may disrupt the consensus splice site. In summary, the currently available evidence indicates that the variant is pathogenic, but additional data are needed to prove that conclusively. Therefore, this variant has been classified as Likely Pathogenic.

Ambry Genetics
Classification: Likely pathogenic for Hereditary cancer-predisposing syndrome. Last evaluated: 2023-03-17. Review status: criteria provided, single submitter. Criteria: Ambry Variant Classification Scheme 2023. Collection method: clinical testing. Allele origin: germline.
Comment: The c.7516-2A>G intronic variant results from an A to G substitution two nucleotides upstream from coding exon 50 in the ATM gene. This nucleotide position is highly conserved in available vertebrate species. In silico splice site analysis predicts that this alteration will weaken the native splice acceptor site and will result in the creation or strengthening of a novel splice acceptor site. RNA studies have demonstrated that this alteration results in abnormal splicing in the set of samples tested (Ambry internal data). Alterations that disrupt the canonical splice site are expected to cause aberrant splicing, resulting in an abnormal protein or a transcript that is subject to nonsense-mediated mRNA decay. As such, this alteration is classified as likely pathogenic.

Literature cited by the submitters: PubMed 16199547 (cited by Labcorp Genetics (formerly Invitae), Labcorp); PubMed 23807571 (cited by Labcorp Genetics (formerly Invitae), Labcorp); PubMed 25614872 (cited by Labcorp Genetics (formerly Invitae), Labcorp).